The following is an entry in ClinVar:

NM_002335.4(LRP5):c.3225C>T (p.Asn1075=)

Gene: LRP5 (LDL receptor related protein 5; plus strand). Cytogenetic location: 11q13.2.
Variant type: single nucleotide variant.
Coding change: c.3225C>T on transcript NM_002335.4 (MANE Select); coding-DNA position 3225, C replaced by T.
Protein change: p.Asn1075=; no amino-acid change (asparagine 1075 retained).
Molecular consequence: synonymous variant.
Genome position (GRCh38, 1-based): chr11:68,423,686, C>T. VCF-style: chr11-68423686-C-T. GRCh37 (hg19) VCF-style: chr11-68191154-C-T.
Other names: c.1482C>T, p.Asn494= (NM_001291902.2); c.3225C>T (NM_002335.3).
Identifiers: ClinVar variation 1145253 (VCV001145253.12), dbSNP rs774177044, ClinGen allele CA6149882.
Genomic context (GRCh38, chr11:68,423,686, plus strand): 5'-GGAAGCCATGGGGGTGGTGCTGCGTGGGGACCGCGACAAGCCCAGGGCCATCGTCGTCAA[C>T]GCGGAGCGAGGGTAGGAGGCCAACGGGTGGGTGGGGGTGCTGCCCGTCCAGGCGTGCCCG-3'
Protein context (NP_002326.2, residues 1065-1085): DRDKPRAIVV[Asn1075=]AERGYLYFTN

ClinVar aggregate classification (germline): Likely benign. Review status: criteria provided, multiple submitters, no conflicts (2 of 4 stars). 3 submissions from 3 submitters: Likely benign (3). Last evaluated 2024-12-13.

Conditions:
LRP5-related disorder. Also called: LRP5-related condition.

Allele frequency attached by ClinVar (database versions not stated): ExAC 0.00003; gnomAD 0.00010 and 0.00011; TOPMed 0.00010.
gnomAD v4.1: 61 of 1,611,228 alleles (0.0038%); highest among the groups gnomAD compares: African/African-American, 0.019%; no homozygotes.

Submissions (3):

PreventionGenetics, part of Exact Sciences
Classification: Likely benign for LRP5-related condition. Last evaluated: 2024-12-13. Review status: criteria provided, single submitter. Criteria: ACMG Guidelines, 2015. Collection method: clinical testing. Allele origin: germline.
Comment: This variant is classified as likely benign based on ACMG/AMP sequence variant interpretation guidelines (Richards et al. 2015 PMID: 25741868, with internal and published modifications).

Labcorp Genetics (formerly Invitae), Labcorp
Classification: Likely benign. Last evaluated: 2024-10-16. Review status: criteria provided, single submitter. Criteria: Invitae Variant Classification Sherloc (09022015). Collection method: clinical testing. Allele origin: germline.

Blueprint Genetics
Classification: Likely benign. Last evaluated: 2022-11-04. Review status: criteria provided, single submitter. Criteria: ACMG Guidelines, 2015. Collection method: clinical testing. Allele origin: germline.